The following is an entry in ClinVar:

NM_206965.2(FTCD):c.1373_1375del (p.Val458del)

Gene: FTCD (formimidoyltransferase cyclodeaminase; minus strand). Cytogenetic location: 21q22.3.
Variant type: Deletion.
Coding change: c.1373_1375del on transcript NM_206965.2 (MANE Select); coding-DNA positions 1373 to 1375, 3 bases deleted (TGG; older notation c.1373_1375delTGG).
Protein change: p.Val458del; deletes valine 458.
Molecular consequence: inframe deletion.
Genome position (GRCh38, 1-based): chr21:46,138,576-46,138,578, CCA deleted on the plus strand (TGG on the coding strand, the reverse complement: FTCD is on the minus strand); deleting any 3 consecutive bases within chr21:46,138,576-46,138,580 gives the same sequence; the c. name uses the placement nearest the transcript's 3' end. VCF-style (leftmost placement, unchanged base first): chr21-46138575-GCCA-G. GRCh37 (hg19) VCF-style: chr21-47558489-GCCA-G.
Other names: c.1373_1375del, p.Val458del (NM_001320412.2, NM_006657.3); c.1373_1375delTGG (NM_006657.2); c.1373_1375del (NM_006657.2); short protein forms V458del.
Identifiers: ClinVar variation 2573552 (VCV002573552.2), dbSNP rs1456176865, ClinGen allele CA410558976.

ClinVar aggregate classification (germline): Uncertain significance. Review status: criteria provided, multiple submitters, no conflicts (2 of 4 stars). 2 submissions from 2 submitters: Uncertain significance (2). Last evaluated 2024-07-01.

Submissions (2):

GeneDx
Classification: Uncertain significance. Last evaluated: 2024-07-01. Review status: criteria provided, single submitter. Criteria: GeneDx Variant Classification Process June 2021. Collection method: clinical testing. Allele origin: germline. Affected: yes.
Comment: Reported in a patient with formiminoglutamic aciduria in published literature (PMID: 29178637); In-frame deletion of 1 amino acid in a non-repeat region; In silico analysis supports a deleterious effect on protein structure/function; This variant is associated with the following publications: (PMID: 29178637)

Women's Health and Genetics/Laboratory Corporation of America, LabCorp
Classification: Uncertain significance. Last evaluated: 2023-06-27. Review status: criteria provided, single submitter. Criteria: LabCorp Variant Classification Summary - May 2015. Collection method: clinical testing. Allele origin: germline.
Comment: Variant summary: FTCD c.1373_1375delTGG (p.Val458del) results in an in-frame deletion that is predicted to remove 1 amino acids from the encoded protein. The variant allele was found at a frequency of 9.8e-06 in 204682 control chromosomes. The available data on variant occurrences in the general population are insufficient to allow any conclusion about variant significance. c.1373_1375delTGG has been reported in the literature in individuals affected with Glutamate Formiminotransferase Deficiency (Majumdar_2017). This report does not provide unequivocal conclusions about association of the variant with Glutamate Formiminotransferase Deficiency. To our knowledge, no experimental evidence demonstrating an impact on protein function has been reported. The following publication have been ascertained in the context of this evaluation (PMID: 29178637). No submitters have cited clinical-significance assessments for this variant to ClinVar after 2014. Based on the evidence outlined above, the variant was classified as uncertain significance.

Literature cited by the submitters: PubMed 29178637 (cited by Women's Health and Genetics/Laboratory Corporation of America, LabCorp).